The following is an entry in ClinVar:

ClinVar aggregate classification (germline): Benign. Review status: reviewed by expert panel (3 of 4 stars). 9 submissions from 9 submitters: Benign (1). 8 of the submissions do not count toward it. Last evaluated 2016-09-28.

Conditions:
Breast and/or ovarian cancer. Identifiers: MedGen CN221562.
Breast-ovarian cancer, familial, susceptibility to, 1 (BROVCA1). Also called: BRCA1 Hereditary Breast and Ovarian Cancer; OVARIAN CANCER, SUSCEPTIBILITY TO. Identifiers: Orphanet 145, MedGen C2676676, MONDO:0011450, OMIM 604370. Disease mechanism: loss of function.
Malignant tumor of breast. Also called: Malignant breast neoplasm; Cancer breast. Identifiers: MedGen C0006142, MONDO:0007254. Disease mechanism: loss of function.
Familial cancer of breast. Also called: BREAST CANCER, FAMILIAL; hereditary breast carcinoma; Hereditary breast cancer. Identifiers: Orphanet 227535, MedGen C0346153, MONDO:0016419, OMIM 114480. Disease mechanism: loss of function.

Submissions (9):

Evidence-based Network for the Interpretation of Germline Mutant Alleles (ENIGMA)
Classification: Benign for Breast-ovarian cancer, familial, susceptibility to, 1. Last evaluated: 2016-09-28. Review status: reviewed by expert panel. Criteria: ENIGMA BRCA1/2 Classification Criteria (2015). Collection method: curation. Allele origin: germline.
Comment: Class 1 not pathogenic based on frequency >1% in an outbred sampleset. Frequency 0.3559 (European), 0.3321 (African), 0.4006 (Admixed American/Latino), 0.3899 (East Asian), 0.5204 (South Asian), derived from 1000 genomes (2013-05-02).

Center for Genomic Medicine, Rigshospitalet, Copenhagen University Hospital
Classification: Benign. Last evaluated: 2025-03-04. Review status: criteria provided, single submitter. Criteria: ACMG Guidelines, 2015. Collection method: clinical testing. Allele origin: germline. Not counted in ClinVar's aggregate classification.

CHEO Genetics Diagnostic Laboratory, Children's Hospital of Eastern Ontario
Classification: Benign for Breast and/or ovarian cancer. Last evaluated: 2021-06-14. Review status: criteria provided, single submitter. Criteria: ACMG Guidelines, 2015. Collection method: clinical testing. Allele origin: germline. Not counted in ClinVar's aggregate classification.

GeneKor MSA
Classification: Benign. Last evaluated: 2017-11-01. Review status: criteria provided, single submitter. Criteria: ACMG Guidelines, 2015. Collection method: clinical testing. Allele origin: germline. Affected: yes. Not counted in ClinVar's aggregate classification.

Molecular Genetics Laboratory, University of Michigan
Classification: Benign for Breast-ovarian cancer, familial, susceptibility to, 1. Last evaluated: 2014-11-03. Review status: criteria provided, single submitter. Criteria: ACMG Guidelines, 2015. Collection method: clinical testing. Allele origin: germline. Affected: yes. Not counted in ClinVar's aggregate classification.

GeneDx
Classification: Benign for Familial cancer of breast. Last evaluated: 2013-12-19. Review status: criteria provided, single submitter. Criteria: GeneDx Variant Classification (06012015). Collection method: clinical testing. Allele origin: germline. Affected: yes. Not counted in ClinVar's aggregate classification.
Comment: The variant is found in HEREDICANCER panel(s).

Clinical Genetics Laboratory, Department of Pathology, Netherlands Cancer Institute
Classification: Benign. Review status: no assertion criteria provided. Collection method: clinical testing. Allele origin: germline. Affected: yes. Study: VKGL Data-share Consensus. Not counted in ClinVar's aggregate classification.

Department of Pathology and Laboratory Medicine, Sinai Health System
Classification: Benign for Malignant tumor of breast. Review status: no assertion criteria provided. Collection method: clinical testing. Allele origin: unknown. Affected: yes. Study: The Canadian Open Genetics Repository (COGR). Not counted in ClinVar's aggregate classification.
Comment: The BRCA1 c.441+36_441+38delCTT variant was not identified in the literature nor was it identified in the NHLBI Exome Sequencing Project (Exome Variant Server), Exome Aggregation Consortium (ExAC) database, HGMD, LOVD, COSMIC, the ClinVar database, GeneInsight VariantWire database and the BIC database. The variant was identified in dbSNP (ID: rs147856441) and UMD (16X as a neutral variant). This variant was also identified in the 1000 Genomes Project in 1977 of 5008 chromosomes (frequency: 0.395), increasing the likelihood this could be a low frequency benign variant. The variant occurs outside of the splicing consensus sequence and in silico or computational prediction software programs (SpliceSiteFinder, MaxEntScan, NNSPLICE, GeneSplicer, HumanSpliceFinder) do not predict a difference in splicing. In summary, based on the above information, this variant meets our laboratory's criteria to be classified as benign.

Genome Diagnostics Laboratory, University Medical Center Utrecht
Classification: Benign. Review status: no assertion criteria provided. Collection method: clinical testing. Allele origin: germline. Affected: yes. Study: VKGL Data-share Consensus. Not counted in ClinVar's aggregate classification.

NM_007294.4(BRCA1):c.441+18CTT[6]

Gene: BRCA1 (BRCA1 DNA repair associated; minus strand). Cytogenetic location: 17q21.31.
Variant type: Microsatellite.
Coding change: c.441+18CTT[6] on transcript NM_007294.4 (MANE Select); six copies in a row of the 3-base unit CTT starting at c.441+18; the reference has seven copies in a row; one copy, 3 bases deleted.
Molecular consequence: intron variant.
Genome position (GRCh38, 1-based): chr17:43,104,084-43,104,086, AAG deleted on the plus strand (CTT on the coding strand, the reverse complement: BRCA1 is on the minus strand); deleting any 3 consecutive bases within chr17:43,104,084-43,104,106 gives the same sequence; the position shown is the placement nearest the transcript's 3' end. VCF-style (leftmost placement, unchanged base first): chr17-43104083-AAAG-A. GRCh37 (hg19) VCF-style: chr17-41256100-AAAG-A.
Other names: c.441+36_441+38delCTT (NM_007294.3, NM_007294.4); c.300+18CTT[6] (NM_001408461.1, NM_001407738.1, NM_001407932.1 and 99 more transcripts); c.231+18CTT[6] (NM_001407886.1, NM_001407898.1, NM_001407881.1 and 58 more transcripts); c.441+18CTT[6] (NM_001407686.1, NM_001408397.1, NM_001407632.1 and 164 more transcripts); c.309+18CTT[6] (NM_001408451.1); c.363+18CTT[6] (NM_001408475.1, NM_001407875.1, NM_001407659.1 and 21 more transcripts); c.432+18CTT[6] (NM_001408408.1, NM_001407647.1, NM_001407646.1); c.-218-9244CTT[6] (NM_001407966.1, NM_001407967.1); and 1 more.
Identifiers: ClinVar variation 225704 (VCV000225704.10), dbSNP rs147856441, ClinGen allele CA002830.